The following is an entry in ClinVar:

NM_031885.5(BBS2):c.1225+2T>G

Gene: BBS2 (Bardet-Biedl syndrome 2; minus strand). Cytogenetic location: 16q13.
Variant type: single nucleotide variant.
Coding change: c.1225+2T>G on transcript NM_031885.5 (MANE Select); the canonical splice donor site of the intron after coding-DNA position 1225, T replaced by G.
Molecular consequence: splice donor variant.
Genome position (GRCh38, 1-based): chr16:56,501,351, A>C on the plus strand (T>G on the coding strand, the complement: BBS2 is on the minus strand). VCF-style: chr16-56501351-A-C. GRCh37 (hg19) VCF-style: chr16-56535263-A-C.
Other names: c.1225+2T>G (NM_001377456.1, NM_031885.3).
Identifiers: ClinVar variation 3240880 (VCV003240880.3), dbSNP rs1279981768.
Genomic context (GRCh38, chr16:56,501,351, plus strand): 5'-AAAAAGAATGACTCCAAGATGGCACAGGTGCCTCTAAATACCAGCTGTGAGTACTGTCTT[A>C]CCATTAGAAGTGGAAATGCGTAATTCTGTATGAGCAGTTTGGGTCTCATTCCCCAGGCTG-3'

ClinVar aggregate classification (germline): Likely pathogenic. Review status: criteria provided, multiple submitters, no conflicts (2 of 4 stars). 2 submissions from 2 submitters: Likely pathogenic (2). Last evaluated 2025-04-11.

Conditions:
Bardet-Biedl syndrome 2 (BBS2). Identifiers: Orphanet 110, MedGen C2936863, MONDO:0014432, OMIM 615981.

Submissions (2):

Natera, Inc.
Classification: Likely pathogenic for Bardet-Biedl syndrome type 2. Last evaluated: 2025-04-11. Review status: criteria provided, single submitter. Criteria: Natera Variant Classification Schema (03/2026). Collection method: clinical testing. Allele origin: germline.
Comment: The c.1225+2T>G variant in BBS2 is a canonical splice donor site variant predicted to affect pre-mRNA splicing, which may result in an abnormal transcript and altered protein product. This variant is expected to result in nonsense mediated decay, truncation, or a dysfunctional protein product. This variant is rare in the general population with a frequency below the threshold expected for the associated phenotype(s). Given the available evidence, this variant is classified as Likely Pathogenic.

Baylor Genetics
Classification: Likely pathogenic for Bardet-Biedl syndrome 2. Last evaluated: 2024-03-24. Review status: criteria provided, single submitter. Criteria: ACMG Guidelines, 2015. Collection method: clinical testing. Allele origin: unknown.